The following is an entry in ClinVar:

ClinVar aggregate classification (germline): Uncertain significance (1 of 4 stars; one submission).

Conditions:
Polycystic kidney disease 3 with or without polycystic liver disease. Also called: Polycystic Kidney and/or Polycystic Liver Disease 3; Polycystic kidney disease 3; POLYCYSTIC KIDNEY DISEASE, ADULT, TYPE III. Identifiers: MedGen C3887964, MONDO:0010916, OMIM 600666.

Submission:

3billion
Classification: Uncertain significance for Polycystic kidney disease 3 with or without polycystic liver disease. Last evaluated: 2022-01-03. Review status: criteria provided, single submitter. Criteria: ACMG Guidelines, 2015. Collection method: clinical testing. Allele origin: germline. Affected: yes. Observed: 1 heterozygote.
Comment: The variant is not observed in the gnomAD v2.1.1 dataset (PM2_M). A missense variant is a common mechanism associated with Polycystic kidney disease 3 (PP2_P). Therefore, this variant is classified as uncertain significance according to the recommendation of ACMG/AMP guideline.

NM_198334.3(GANAB):c.2293G>A (p.Val765Ile)

Gene: GANAB (glucosidase II alpha subunit; minus strand). Cytogenetic location: 11q12.3.
Variant type: single nucleotide variant.
Coding change: c.2293G>A on transcript NM_198334.3 (MANE Select); coding-DNA position 2293, G replaced by A.
Protein change: p.Val765Ile; replaces valine 765 with isoleucine.
Molecular consequence: missense variant.
Genome position (GRCh38, 1-based): chr11:62,627,077, C>T on the plus strand (G>A on the coding strand, the complement: GANAB is on the minus strand). VCF-style: chr11-62627077-C-T. GRCh37 (hg19) VCF-style: chr11-62394549-C-T.
Other names: c.2017G>A, p.Val673Ile (NM_001278192.2); c.1951G>A, p.Val651Ile (NM_001278193.2); c.2002G>A, p.Val668Ile (NM_001278194.2, NM_001329222.2, NM_001329223.2); c.1570G>A, p.Val524Ile (NM_001329224.2, NM_001329225.2); c.2359G>A, p.Val787Ile (NM_198335.4); short protein forms V524I, V651I, V668I, V673I, V765I, V787I.
Identifiers: ClinVar variation 1333463 (VCV001333463.1), dbSNP rs2134460249, ClinGen allele CA380988355.